The following is an entry in ClinVar:

ClinVar aggregate classification (germline): Likely benign (1 of 4 stars; one submission).

Allele frequency attached by ClinVar (database versions not stated): ESP Exome Variant Server 0.00086; 1000 Genomes Project 0.00120; ExAC 0.00133; gnomAD 0.00177; 1000 Genomes Project 30x 0.00250.

Submission:

CeGaT Center for Human Genetics Tuebingen
Classification: Likely benign. Last evaluated: 2024-04-01. Review status: criteria provided, single submitter. Criteria: CeGaT Center For Human Genetics Tuebingen Variant Classification Criteria Version 2. Collection method: clinical testing. Allele origin: germline. Affected: yes. Observed: 1 variant allele.
Comment: PRB1: BP4, BS2

NR_160307.2(PRB1):n.895A>C

Gene: PRB1 (proline rich protein BstNI subfamily 1; minus strand). Cytogenetic location: 12p13.2.
Variant type: single nucleotide variant.
Molecular consequence: non-coding transcript variant (on NR_160307.2).
Genome position: GRCh38 VCF-style: chr12-11353246-T-G. GRCh37 (hg19) VCF-style: chr12-11506180-T-G.
Identifiers: ClinVar variation 3234191 (VCV003234191.20), dbSNP rs78082688, ClinGen allele CA6452835.